The following is an entry in ClinVar:

NM_016239.4(MYO15A):c.92del (p.Lys31fs)

Gene: MYO15A (myosin XVA; plus strand). Cytogenetic location: 17p11.2.
Variant type: Deletion.
Coding change: c.92del on transcript NM_016239.4 (MANE Select); coding-DNA position 92, one base deleted (A; older notation c.92delA).
Protein change: p.Lys31fs; shifts the reading frame from lysine 31.
Molecular consequence: frameshift variant.
Genome position (GRCh38, 1-based): chr17:18,118,892, A deleted; the last of 2 consecutive A bases (chr17:18,118,891-18,118,892); deleting either gives the same sequence. VCF-style (leftmost placement, unchanged base first): chr17-18118890-GA-G. GRCh37 (hg19) VCF-style: chr17-18022204-GA-G.
Other names: c.92delA (NM_016239.3); short protein forms K31fs.
Identifiers: ClinVar variation 2985195 (VCV002985195.5), dbSNP rs760090242, ClinGen allele CA8422753.

ClinVar aggregate classification (germline): Pathogenic. Review status: criteria provided, single submitter (1 of 4 stars). 2 submissions from 2 submitters: Pathogenic (1). 1 of the submissions does not count toward it. Last evaluated 2023-11-06.

Conditions:
MYO15A-related disorder. Also called: MYO15A-related condition.

Submissions (2):

Labcorp Genetics (formerly Invitae), Labcorp
Classification: Pathogenic. Last evaluated: 2023-11-06. Review status: criteria provided, single submitter. Criteria: Invitae Variant Classification Sherloc (09022015). Collection method: clinical testing. Allele origin: germline.
Comment: This sequence change creates a premature translational stop signal (p.Lys31Argfs*57) in the MYO15A gene. It is expected to result in an absent or disrupted protein product. Loss-of-function variants in MYO15A are known to be pathogenic (PMID: 17546645). This variant is present in population databases (rs760090242, gnomAD 0.007%). This variant has not been reported in the literature in individuals affected with MYO15A-related conditions. For these reasons, this variant has been classified as Pathogenic.

PreventionGenetics, part of Exact Sciences
Classification: Uncertain significance for MYO15A-related condition. Last evaluated: 2023-11-01. Review status: no assertion criteria provided. Collection method: clinical testing. Allele origin: germline. Not counted in ClinVar's aggregate classification.
Comment: The MYO15A c.92delA variant is predicted to result in a frameshift and premature protein termination (p.Lys31Argfs*57). To our knowledge, this variant has not been reported in the literature. This variant is reported in 0.0071% of alleles in individuals of European (Non-Finnish) descent in gnomAD. Loss of function variants downstream of this variant have been reported as pathogenic, but none have been reported upstream. Although we suspect that this variant may be pathogenic, at this time, the clinical significance of this variant is uncertain due to the absence of conclusive functional and genetic evidence.

Literature cited by the submitters: PubMed 17546645 (cited by Labcorp Genetics (formerly Invitae), Labcorp).